The following is an entry in ClinVar:

ClinVar aggregate classification (germline): Pathogenic/Likely pathogenic. Review status: criteria provided, multiple submitters, no conflicts (2 of 4 stars). 3 submissions from 3 submitters: Pathogenic (2); Likely pathogenic (1). Last evaluated 2025-11-18.

Conditions:
Johanson-Blizzard syndrome (JBS). Also called: Nasal alar hypoplasia, hypothyroidism, pancreatic achylia and congenital deafness. Identifiers: Orphanet 2315, MedGen C0175692, MONDO:0009479, OMIM 243800.

gnomAD v4.1: 4 of 1,611,834 alleles (0.00025%); highest among the groups gnomAD compares: Admixed American, 0.0033%; no homozygotes.

Submissions (3):

Labcorp Genetics (formerly Invitae), Labcorp
Classification: Pathogenic. Last evaluated: 2025-11-18. Review status: criteria provided, single submitter. Criteria: Invitae Variant Classification Sherloc (09022015). Collection method: clinical testing. Allele origin: germline.
Comment: This sequence change falls in intron 4 of the UBR1 gene. It does not directly change the encoded amino acid sequence of the UBR1 protein. This variant is present in population databases (no rsID available, gnomAD 0.006%). This variant has been observed in individual(s) with Johanson-Blizzard syndrome (PMID: 23778732, 24599544; internal data). ClinVar contains an entry for this variant (Variation ID: 1328530). Algorithms developed to predict the effect of sequence changes on RNA splicing suggest that this variant may disrupt the consensus splice site. For these reasons, this variant has been classified as Pathogenic.

Fulgent Genetics
Classification: Likely pathogenic for Johanson-Blizzard syndrome. Last evaluated: 2021-12-15. Review status: criteria provided, single submitter. Criteria: ACMG Guidelines, 2015. Collection method: clinical testing. Allele origin: unknown.

Illumina Laboratory Services, Illumina
Classification: Pathogenic for Johanson-Blizzard syndrome. Last evaluated: 2021-04-08. Review status: criteria provided, single submitter. Criteria: ICSLVariantClassificationCriteria RUGD 01 April 2020. Collection method: clinical testing. Allele origin: unknown.
Comment: The UBR1 c.529-13G>A variant is an intronic variant that has been reported in two studies, in which it is found in a homozygous state in two individuals with Johanson-Blizzard syndrome (Godbole et al. 2013; Sukalo et al. 2014). The c.529-13G>A variant is predicted to create a new splice site, resulting in a frameshift and premature truncation of the protein (p.Asn177LeufsTer10). RNA analysis was performed for one of the individuals homozygous for this variant and no normally spliced transcript was detected (Godbole et al. 2013). This variant is reported at a frequency of 0.000012 in the total population from the Genome Aggregation Database. Based on the evidence, the c.529-13G>A variant is classified as pathogenic for Johanson-Blizzard syndrome.

Literature cited by the submitters: PubMed 23778732 (cited by Labcorp Genetics (formerly Invitae), Labcorp and Illumina Laboratory Services, Illumina); PubMed 24599544 (cited by Labcorp Genetics (formerly Invitae), Labcorp and Illumina Laboratory Services, Illumina).

NM_174916.3(UBR1):c.529-13G>A

Gene: UBR1 (ubiquitin protein ligase E3 component n-recognin 1; minus strand). Cytogenetic location: 15q15.2.
Variant type: single nucleotide variant.
Coding change: c.529-13G>A on transcript NM_174916.3 (MANE Select); 13 bases into the intron before coding-DNA position 529, G replaced by A.
Molecular consequence: intron variant.
Genome position (GRCh38, 1-based): chr15:43,070,938, C>T on the plus strand (G>A on the coding strand, the complement: UBR1 is on the minus strand). VCF-style: chr15-43070938-C-T. GRCh37 (hg19) VCF-style: chr15-43363136-C-T.
Identifiers: ClinVar variation 1328530 (VCV001328530.6), dbSNP rs1265375100, ClinGen allele CA617634874.